The following is an entry in ClinVar:

ClinVar aggregate classification (germline): Uncertain significance. Review status: criteria provided, multiple submitters, no conflicts (2 of 4 stars). 2 submissions from 2 submitters: Uncertain significance (2). Last evaluated 2025-08-06.

Conditions:
Norman-Roberts syndrome (LIS2). Also called: Lissencephaly 2 (Norman-Roberts type). Identifiers: Orphanet 89844, MedGen C0796089, MONDO:0009760, OMIM 257320.
Familial temporal lobe epilepsy 7. Identifiers: Orphanet 101046, MedGen C4225327, MONDO:0014639, OMIM 616436.

Submissions (2):

GeneDx
Classification: Uncertain significance. Last evaluated: 2025-08-06. Review status: criteria provided, single submitter. Criteria: GeneDx Variant Classification Process June 2021. Collection method: clinical testing. Allele origin: germline. Affected: yes.
Comment: In-frame deletion of 1 amino acid(s) in a non-repeat region; In silico analysis supports a deleterious effect on protein structure/function; Not observed at significant frequency in large population cohorts (gnomAD); Has not been previously published as pathogenic or benign to our knowledge

Labcorp Genetics (formerly Invitae), Labcorp
Classification: Uncertain significance for Familial temporal lobe epilepsy 7; Norman-Roberts syndrome. Last evaluated: 2018-02-26. Review status: criteria provided, single submitter. Criteria: Invitae Variant Classification Sherloc (09022015). Collection method: clinical testing. Allele origin: germline.
Comment: In summary, the available evidence is currently insufficient to determine the role of this variant in disease. Therefore, it has been classified as a Variant of Uncertain Significance. Experimental studies and prediction algorithms are not available for this variant, and the functional significance of the deleted amino acid is currently unknown. This variant has not been reported in the literature in individuals with RELN-related disease. This variant is not present in population databases (ExAC no frequency). This variant, c.108_110delCTT, results in the deletion of 1 amino acid(s) of the RELN protein (p.Phe38del), but otherwise preserves the integrity of the reading frame.

NM_005045.4(RELN):c.105CTT[1] (p.Phe38del)

Gene: RELN (reelin; minus strand). Cytogenetic location: 7q22.1.
Variant type: Microsatellite.
Coding change: c.105CTT[1] on transcript NM_005045.4 (MANE Select); one copy of the 3-base unit CTT starting at c.105; the reference has two copies in a row; one copy, 3 bases deleted; also written c.108_110del.
Protein change: p.Phe38del; deletes phenylalanine 38.
Molecular consequence: inframe deletion.
Genome position (GRCh38, 1-based): chr7:103,989,247-103,989,249, AAG deleted on the plus strand (CTT on the coding strand, the reverse complement: RELN is on the minus strand); deleting any 3 consecutive bases within chr7:103,989,247-103,989,252 gives the same sequence; the position shown is the placement nearest the transcript's 3' end. VCF-style (leftmost placement, unchanged base first): chr7-103989246-AAAG-A. GRCh37 (hg19) VCF-style: chr7-103629693-AAAG-A.
Other names: c.105CTT[1], p.Phe38del (NM_173054.3); c.108_110delCTT (NM_005045.3); c.108_110del (NM_005045.3); short protein forms F38del.
Identifiers: ClinVar variation 572209 (VCV000572209.9), dbSNP rs1563127968, ClinGen allele CA891843430.